The following is an entry in ClinVar:

ClinVar aggregate classification (germline): Likely pathogenic (1 of 4 stars; one submission).

Conditions:
Sturge-Weber syndrome (SWS). Also called: Encephalotrigeminal angiomatosis; Fourth phacomatosis; Meningeal capillary angiomatosis; Leptomeningeal angiomatosis; Encephalofacial angiomatosis; SWS type I - Facial and leptomeningeal angiomas. Identifiers: Orphanet 3205, MedGen C0038505, MONDO:0008501, OMIM 185300.

Submission:

Clinical Genomics Laboratory, Washington University in St. Louis
Classification: Likely pathogenic for Sturge-Weber syndrome. Last evaluated: 2026-04-13. Review status: criteria provided, single submitter. Criteria: Leon-Quintero et al. (Clin Genet. 2025). Collection method: clinical testing. Allele origin: somatic. Affected: yes.
Comment: A GNAQ c.625C>G (p.Gln209Glu) variant was identified at an allelic fraction consistent with somatic origin. This variant has been reported in one individual with a vascular anomaly (Jansen P et al., PMID: 34040639). It is absent from the general population (gnomAD v4.1.1), indicating it is not a common variant. Other variants in the same codon, (p.Q209L, p.Q209R, p.Q209P, p.Q209H), have been reported in individuals with vascular malformations and are considered pathogenic (Francis JH et al., PMID: 30537484; Galeffi F et al., PMID: 35635655; Caldwell NJ et al., PMID: 37936489; Jansen P et al., PMID: 34040639). Computational predictors indicate that the variant is damaging, evidence that correlates with impact to GNAQ function. It resides within a region, Switch II of GTPase domain, amino acids 204-224, of GNAQ that is defined as a critical functional domain (Raamsdonk CDV et al., PMID: 19078957; Trigt WKV et al., PMID: 36405075). Based on available information and an internally developed protocol informed by the ACMG/AMP guidelines for variant interpretation and gene-specific practices from the ClinGen Criteria Specification Registry (Leon-Quintero FZ et al., PMID: 39434542), the GNAQ c.625C>G (p.Gln209Glu) variant is classified as likely pathogenic.

NM_002072.5(GNAQ):c.625C>G (p.Gln209Glu)

Gene: GNAQ (G protein subunit alpha q; minus strand). Cytogenetic location: 9q21.2.
Variant type: single nucleotide variant.
Coding change: c.625C>G on transcript NM_002072.5 (MANE Select); coding-DNA position 625, C replaced by G.
Protein change: p.Gln209Glu; replaces glutamine 209 with glutamic acid.
Molecular consequence: missense variant.
Genome position (GRCh38, 1-based): chr9:77,794,573, G>C on the plus strand (C>G on the coding strand, the complement: GNAQ is on the minus strand). VCF-style: chr9-77794573-G-C. GRCh37 (hg19) VCF-style: chr9-80409489-G-C.
Other names: short protein forms Q209E.
Identifiers: ClinVar variation 4974580 (VCV004974580.1).